The following is an entry in ClinVar:

ClinVar aggregate classification (germline): Uncertain significance. Review status: criteria provided, multiple submitters, no conflicts (2 of 4 stars). 2 submissions from 2 submitters: Uncertain significance (2). Last evaluated 2024-10-23.

Conditions:
Cutis laxa, autosomal dominant 3 (ADCL3). Identifiers: Orphanet 90348, MedGen C4225268, MONDO:0014706, OMIM 616603.
Autosomal dominant spastic paraplegia type 9. Identifiers: MedGen C1832669, MONDO:0015091.
de Barsy syndrome. Also called: Cutis laxa-corneal clouding-oligophrenia syndrome. Identifiers: Orphanet 2962, MedGen C0268354, MONDO:0017569.

Submissions (2):

Labcorp Genetics (formerly Invitae), Labcorp
Classification: Uncertain significance for Autosomal dominant spastic paraplegia type 9; de Barsy syndrome; Cutis laxa, autosomal dominant 3. Last evaluated: 2024-10-23. Review status: criteria provided, single submitter. Criteria: Invitae Variant Classification Sherloc (09022015). Collection method: clinical testing. Allele origin: germline.
Comment: This sequence change replaces isoleucine, which is neutral and non-polar, with threonine, which is neutral and polar, at codon 98 of the ALDH18A1 protein (p.Ile98Thr). This variant is not present in population databases (gnomAD no frequency). This variant has not been reported in the literature in individuals affected with ALDH18A1-related conditions. Invitae Evidence Modeling of protein sequence and biophysical properties (such as structural, functional, and spatial information, amino acid conservation, physicochemical variation, residue mobility, and thermodynamic stability) indicates that this missense variant is expected to disrupt ALDH18A1 protein function with a positive predictive value of 80%. In summary, the available evidence is currently insufficient to determine the role of this variant in disease. Therefore, it has been classified as a Variant of Uncertain Significance.

GeneDx
Classification: Uncertain significance. Last evaluated: 2024-07-22. Review status: criteria provided, single submitter. Criteria: GeneDx Variant Classification Process June 2021. Collection method: clinical testing. Allele origin: germline. Affected: yes.
Comment: Not observed at significant frequency in large population cohorts (gnomAD); In silico analysis supports that this missense variant has a deleterious effect on protein structure/function; Has not been previously published as pathogenic or benign to our knowledge

NM_002860.4(ALDH18A1):c.293T>C (p.Ile98Thr)

Gene: ALDH18A1 (aldehyde dehydrogenase 18 family member A1; minus strand). Cytogenetic location: 10q24.1.
Variant type: single nucleotide variant.
Coding change: c.293T>C on transcript NM_002860.4 (MANE Select); coding-DNA position 293, T replaced by C.
Protein change: p.Ile98Thr; replaces isoleucine 98 with threonine.
Molecular consequence: missense variant. On other transcripts: intron variant (4).
Genome position (GRCh38, 1-based): chr10:95,643,002, A>G on the plus strand (T>C on the coding strand, the complement: ALDH18A1 is on the minus strand). VCF-style: chr10-95643002-A-G. GRCh37 (hg19) VCF-style: chr10-97402759-A-G.
Other names: c.-30-5566T>C (NM_001323416.2, NM_001323412.2, NM_001323418.2); c.293T>C (NM_002860.3); c.293T>C, p.Ile98Thr (NM_001017423.2, NM_001323413.2, NM_001323414.2 and 2 more transcripts); c.-78-9353T>C (NM_001323419.2); short protein forms I98T.
Identifiers: ClinVar variation 2932495 (VCV002932495.4), dbSNP rs2526935195, ClinGen allele CA377707566.